The following is an entry in ClinVar:

NM_020180.4(CELF4):c.701del (p.Lys234fs)

Gene: CELF4 (CUGBP Elav-like family member 4; minus strand). Cytogenetic location: 18q12.2.
Variant type: Deletion.
Coding change: c.701del on transcript NM_020180.4 (MANE Select); coding-DNA position 701, one base deleted (A; older notation c.701delA).
Protein change: p.Lys234fs; shifts the reading frame from lysine 234.
Molecular consequence: frameshift variant. On other transcripts: non-coding transcript variant (11).
Genome position (GRCh38, 1-based): chr18:37,274,411, T deleted on the plus strand (A on the coding strand, the reverse complement: CELF4 is on the minus strand); the first of 2 consecutive T bases (chr18:37,274,411-37,274,412); deleting either gives the same sequence. VCF-style (leftmost placement, unchanged base first): chr18-37274410-CT-C. GRCh37 (hg19) VCF-style: chr18-34854373-CT-C.
Other names: c.701del, p.Lys234fs (NM_001025087.2, NM_001353708.2, NM_001353723.2 and 11 more transcripts); c.698del, p.Lys233fs (NM_001025088.2, NM_001330603.2, NM_001353696.2 and 12 more transcripts); c.671del, p.Lys224fs (NM_001025089.2, NM_001353699.2, NM_001353700.2 and 12 more transcripts); c.668del, p.Lys223fs (NM_001353695.2, NM_001353697.2, NM_001353705.2 and 16 more transcripts); c.329del, p.Lys110fs (NM_001353756.2, NM_001353761.2); c.302del, p.Lys101fs (NM_001353757.2, NM_001353760.2); c.299del, p.Lys100fs (NM_001353758.2, NM_001353759.2); short protein forms K100fs, K101fs, K110fs, K223fs, K224fs, K233fs, K234fs.
Identifiers: ClinVar variation 4057088 (VCV004057088.1).

ClinVar aggregate classification (germline): Uncertain significance (1 of 4 stars; one submission).

Submission:

GeneDx
Classification: Uncertain significance. Last evaluated: 2025-01-10. Review status: criteria provided, single submitter. Criteria: GeneDx Variant Classification Process June 2021. Collection method: clinical testing. Allele origin: germline. Affected: yes.
Comment: Not observed at significant frequency in large population cohorts (gnomAD); Frameshift variant predicted to result in protein truncation or nonsense mediated decay in a gene or region of a gene for which loss of function is not a well-established mechanism of disease; Has not been previously published as pathogenic or benign to our knowledge; Variants in candidate genes are classified as variants of uncertain significance in accordance with ACMG guidelines (PMID: 25741868)